The following is an entry in ClinVar:

ClinVar aggregate classification (germline): Conflicting classifications of pathogenicity. Review status: criteria provided, conflicting classifications (1 of 4 stars). 4 submissions from 4 submitters: Likely pathogenic (1); Uncertain significance (3). Last evaluated 2025-12-15.

Conditions:
Cardiac arrhythmia. Also called: Arrhythmia; Cardiac rhythm disease. Identifiers: MedGen C0003811, MONDO:0007263, HP:0011675.
Brugada syndrome 5 (BRGDA5). Identifiers: Orphanet 130, Orphanet 871, MedGen C2748541, MONDO:0013015, OMIM 612838.

Allele frequency attached by ClinVar (database versions not stated): ExAC 0.00005; gnomAD exomes 0.00001.
gnomAD v4.1: 11 of 1,549,936 alleles (0.00071%); highest among the groups gnomAD compares: Non-Finnish European, 0.00096%; no homozygotes.

Submissions (4):

Labcorp Genetics (formerly Invitae), Labcorp
Classification: Uncertain significance for Brugada syndrome 5. Last evaluated: 2025-12-15. Review status: criteria provided, single submitter. Criteria: Invitae Variant Classification Sherloc (09022015). Collection method: clinical testing. Allele origin: germline.
Comment: This sequence change replaces valine, which is neutral and non-polar, with isoleucine, which is neutral and non-polar, at codon 251 of the SCN1B protein (p.Val251Ile). This variant is present in population databases (rs193922728, gnomAD 0.002%). This variant has not been reported in the literature in individuals affected with SCN1B-related conditions. ClinVar contains an entry for this variant (Variation ID: 36757). An algorithm developed to predict the effect of missense changes on protein structure and function outputs the following: PolyPhen-2: "Benign". The isoleucine amino acid residue is found in multiple mammalian species, which suggests that this missense change does not adversely affect protein function. In summary, the available evidence is currently insufficient to determine the role of this variant in disease. Therefore, it has been classified as a Variant of Uncertain Significance.

GeneDx
Classification: Uncertain significance. Last evaluated: 2019-11-25. Review status: criteria provided, single submitter. Criteria: GeneDx Variant Classification Process June 2021. Collection method: clinical testing. Allele origin: germline. Affected: yes.
Comment: Has not been previously published as pathogenic or benign to our knowledge; Not observed at a significant frequency in large population cohorts (Lek et al., 2016); In silico analysis, which includes splice predictors and evolutionary conservation, supports that this variant does not alter protein structure/function

Laboratory for Molecular Medicine, Mass General Brigham Personalized Medicine
Classification: Uncertain significance. Last evaluated: 2016-10-20. Review status: criteria provided, single submitter. Criteria: LMM Criteria. Collection method: clinical testing. Allele origin: germline.
Comment: Variant identified in a genome or exome case(s) and assessed due to predicted null impact of the variant or pathogenic assertions in the literature or databases. Disclaimer: This variant has not undergone full assessment. The following are preliminary notes: ClinVar: LP by LabCorp, who report the variant in 1 individual with arrhythmia. No additional reports. Only a coding change on alternative transcript - Falls within poorly conserved region of the gene

Women's Health and Genetics/Laboratory Corporation of America, LabCorp
Classification: Likely pathogenic for Arrhythmia. Last evaluated: 2011-08-18. Review status: criteria provided, single submitter. Criteria: LabCorp Variant Classification Summary - May 2015. Collection method: curation. Allele origin: germline. Inheritance: autosomal unknown. Affected: yes.
ClinVar note: Converted during submission from likely pathogenic to Likely pathogenic.

NM_199037.3(SCN1B):c.751G>A (p.Val251Ile)

Gene: SCN1B (sodium voltage-gated channel beta subunit 1; plus strand). Cytogenetic location: 19q13.11.
Variant type: single nucleotide variant.
Coding change: c.751G>A on transcript NM_199037.3; coding-DNA position 751, G replaced by A.
Protein change: p.Val251Ile; replaces valine 251 with isoleucine.
Molecular consequence: intron variant (on NM_001037.5). On other transcripts: missense variant (1).
Genome position (GRCh38, 1-based): chr19:35,034,042, G>A. VCF-style: chr19-35034042-G-A. GRCh37 (hg19) VCF-style: chr19-35524946-G-A.
Other names: c.751G>A, p.Val251Ile (NM_199037.5); c.448+303G>A (NM_001037.5); c.349+303G>A (NM_001321605.2); short protein forms V251I.
Identifiers: ClinVar variation 36757 (VCV000036757.29), dbSNP rs193922728, ClinGen allele CA214234.